The following is an entry in ClinVar:

NM_198994.3(TGM6):c.1021G>A (p.Ala341Thr)

Gene: TGM6 (transglutaminase 6; plus strand). Cytogenetic location: 20p13.
Variant type: single nucleotide variant.
Coding change: c.1021G>A on transcript NM_198994.3 (MANE Select); coding-DNA position 1021, G replaced by A.
Protein change: p.Ala341Thr; replaces alanine 341 with threonine.
Molecular consequence: missense variant.
Genome position (GRCh38, 1-based): chr20:2,403,428, G>A. VCF-style: chr20-2403428-G-A. GRCh37 (hg19) VCF-style: chr20-2384074-G-A.
Other names: c.1021G>A, p.Ala341Thr (NM_001254734.2); short protein forms A341T.
Identifiers: ClinVar variation 805652 (VCV000805652.3), dbSNP rs780209863, ClinGen allele CA9731942.

ClinVar aggregate classification (germline): Uncertain significance. Review status: criteria provided, multiple submitters, no conflicts (2 of 4 stars). 2 submissions from 2 submitters: Uncertain significance (2). Last evaluated 2025-03-30.

Allele frequency attached by ClinVar (database versions not stated): ExAC 0.00001; gnomAD exomes below 0.00001; TOPMed 0.00001.
gnomAD v4.1: 7 of 1,614,140 alleles (0.00043%); highest among the groups gnomAD compares: Non-Finnish European, 0.00059%; no homozygotes.

Submissions (2):

GeneDx
Classification: Uncertain significance. Last evaluated: 2025-03-30. Review status: criteria provided, single submitter. Criteria: GeneDx Variant Classification Process June 2021. Collection method: clinical testing. Allele origin: germline. Affected: yes.
Comment: Not observed at significant frequency in large population cohorts (gnomAD); In silico analysis indicates that this missense variant does not alter protein structure/function; Has not been previously published as pathogenic or benign to our knowledge

Athena Diagnostics
Classification: Uncertain significance. Last evaluated: 2022-08-15. Review status: criteria provided, single submitter. Criteria: Athena Diagnostics Criteria. Collection method: clinical testing. Allele origin: unknown.